The following is an entry in ClinVar:

NM_138393.4(REEP6):c.30C>T (p.His10=)

Gene: REEP6 (receptor accessory protein 6; plus strand). Cytogenetic location: 19p13.3.
Variant type: single nucleotide variant.
Coding change: c.30C>T on transcript NM_138393.4 (MANE Select); coding-DNA position 30, C replaced by T.
Protein change: p.His10=; no amino-acid change (histidine 10 retained).
Molecular consequence: synonymous variant.
Genome position (GRCh38, 1-based): chr19:1,491,299, C>T. VCF-style: chr19-1491299-C-T. GRCh37 (hg19) VCF-style: chr19-1491298-C-T.
Other names: c.30C>T, p.His10= (NM_001329556.3).
Identifiers: ClinVar variation 3046596 (VCV003046596.4), dbSNP rs533860941, ClinGen allele CA504732027.

ClinVar aggregate classification (germline): Likely benign. Review status: criteria provided, multiple submitters, no conflicts (2 of 4 stars). 3 submissions from 3 submitters: Likely benign (2). 1 of the submissions does not count toward it. Last evaluated 2025-06-17.

Conditions:
REEP6-related disorder. Also called: REEP6-related condition.

gnomAD v4.1: 1 of 1,473,678 alleles (0.000068%); highest among the groups gnomAD compares: Admixed American, 0.0027%; no homozygotes.

Submissions (3):

Labcorp Genetics (formerly Invitae), Labcorp
Classification: Likely benign. Last evaluated: 2025-06-17. Review status: criteria provided, single submitter. Criteria: Invitae Variant Classification Sherloc (09022015). Collection method: clinical testing. Allele origin: germline.

Blueprint Genetics
Classification: Likely benign. Last evaluated: 2019-09-13. Review status: criteria provided, single submitter. Criteria: ACMG Guidelines, 2015. Collection method: clinical testing. Allele origin: germline.

PreventionGenetics, part of Exact Sciences
Classification: Likely benign for REEP6-related condition. Last evaluated: 2019-02-28. Review status: no assertion criteria provided. Collection method: clinical testing. Allele origin: germline. Not counted in ClinVar's aggregate classification.
Comment: This variant is classified as likely benign based on ACMG/AMP sequence variant interpretation guidelines (Richards et al. 2015 PMID: 25741868, with internal and published modifications).